The following is an entry in ClinVar:

ClinVar aggregate classification (germline): Uncertain significance (1 of 4 stars; one submission).

Conditions:
Inborn genetic diseases. Identifiers: MedGen C0950123, MeSH D030342.

gnomAD v4.1: 1 of 1,614,126 alleles (0.000062%); highest among the groups gnomAD compares: Non-Finnish European, 0.000085%; no homozygotes.

Submission:

Ambry Genetics
Classification: Uncertain significance for Inborn genetic diseases. Last evaluated: 2026-08-10. Review status: criteria provided, single submitter. Criteria: Ambry Variant Classification Scheme 2023. Collection method: clinical testing. Allele origin: germline.
Comment: The p.Y979C variant (also known as c.2936A>G), located in coding exon 13 of the BMPR2 gene, results from an A to G substitution at nucleotide position 2936. The tyrosine at codon 979 is replaced by cysteine, an amino acid with highly dissimilar properties. This amino acid position is conserved. In addition, this alteration is predicted to be deleterious by in silico analysis. Based on the available evidence, the clinical significance of this variant remains unclear.

NM_001204.7(BMPR2):c.2936A>G (p.Tyr979Cys)

Gene: BMPR2 (bone morphogenetic protein receptor type 2; plus strand). Cytogenetic location: 2q33.2.
Variant type: single nucleotide variant.
Coding change: c.2936A>G on transcript NM_001204.7 (MANE Select); coding-DNA position 2936, A replaced by G.
Protein change: p.Tyr979Cys; replaces tyrosine 979 with cysteine.
Molecular consequence: missense variant.
Genome position (GRCh38, 1-based): chr2:202,559,765, A>G. VCF-style: chr2-202559765-A-G. GRCh37 (hg19) VCF-style: chr2-203424488-A-G.
Other names: short protein forms Y979C.
Identifiers: ClinVar variation 5033112 (VCV005033112.1).